The following is an entry in ClinVar:

ClinVar aggregate classification (germline): Benign (1 of 4 stars; one submission).

Allele frequency attached by ClinVar (database versions not stated): gnomAD 0.33943 and 0.35232; TOPMed 0.34848; 1000 Genomes Project 30x 0.43442; 1000 Genomes Project 0.44728.
gnomAD v4.1: 143,100 of 371,360 alleles (39%); highest among the groups gnomAD compares: East Asian, 79%; 30,765 homozygotes.

Submission:

GeneDx
Classification: Benign. Last evaluated: 2018-06-18. Review status: criteria provided, single submitter. Criteria: GeneDx Variant Classification (06012015). Collection method: clinical testing. Allele origin: germline. Affected: yes.
Comment: This variant is considered likely benign or benign based on one or more of the following criteria: it is a conservative change, it occurs at a poorly conserved position in the protein, it is predicted to be benign by multiple in silico algorithms, and/or has population frequency not consistent with disease.

NM_001271.4(CHD2):c.3414-254C>T

Gene: CHD2 (chromodomain helicase DNA binding protein 2; plus strand). Cytogenetic location: 15q26.1.
Variant type: single nucleotide variant.
Coding change: c.3414-254C>T on transcript NM_001271.4 (MANE Select); 254 bases into the intron before coding-DNA position 3414, C replaced by T.
Molecular consequence: intron variant.
Genome position (GRCh38, 1-based): chr15:92,991,222, C>T. VCF-style: chr15-92991222-C-T. GRCh37 (hg19) VCF-style: chr15-93534452-C-T.
Identifiers: ClinVar variation 668782 (VCV000668782.1), dbSNP rs3736619, ClinGen allele CA15839387.
Genomic context (GRCh38, chr15:92,991,222, plus strand): 5'-ATAAACTTGTATCTTCTAAAAAGGATATTAGAGCTAAGTCACAGTTCTCTAGCATGTTAT[C>T]TAAGCAGGTTTATGTACAGTCACTGAGAATAAAGTTGATCTTTAATTTGAATAGATTTTT-3'